The following is an entry in ClinVar:

NM_007078.3(LDB3):c.1088C>T (p.Pro363Leu)

Gene: LDB3 (LIM domain binding 3; plus strand). Cytogenetic location: 10q23.2.
Variant type: single nucleotide variant.
Coding change: c.1088C>T on transcript NM_007078.3 (MANE Select); coding-DNA position 1088, C replaced by T.
Protein change: p.Pro363Leu; replaces proline 363 with leucine.
Molecular consequence: missense variant.
Genome position (GRCh38, 1-based): chr10:86,709,907, C>T. VCF-style: chr10-86709907-C-T. GRCh37 (hg19) VCF-style: chr10-88469664-C-T.
Other names: c.758C>T, p.Pro253Leu (NM_001080114.2); c.1103C>T, p.Pro368Leu (NM_001171610.2); c.899C>T, p.Pro300Leu (NM_001368064.1, NM_001368065.1); c.947C>T, p.Pro316Leu (NM_001368066.1); short protein forms P300L, P368L, P253L, P316L, P363L.
Identifiers: ClinVar variation 1788187 (VCV001788187.2), dbSNP rs1846575717, ClinGen allele CA377448172.

ClinVar aggregate classification (germline): Uncertain significance (1 of 4 stars; one submission).

Conditions:
Cardiovascular phenotype. Identifiers: MedGen CN230736.

Allele frequency attached by ClinVar (database versions not stated): TOPMed below 0.00001.

Submission:

Ambry Genetics
Classification: Uncertain significance for Cardiovascular phenotype. Last evaluated: 2021-04-20. Review status: criteria provided, single submitter. Criteria: Ambry Variant Classification Scheme 2023. Collection method: clinical testing. Allele origin: germline.
Comment: The p.P363L variant (also known as c.1088C>T), located in coding exon 8 of the LDB3 gene, results from a C to T substitution at nucleotide position 1088. The proline at codon 363 is replaced by leucine, an amino acid with similar properties. This amino acid position is not well conserved in available vertebrate species, and leucine is the reference amino acid in other vertebrate species. In addition, this alteration is predicted to be tolerated by in silico analysis. Since supporting evidence is limited at this time, the clinical significance of this alteration remains unclear.